The following is an entry in ClinVar:

ClinVar aggregate classification (germline): Uncertain significance. Review status: criteria provided, multiple submitters, no conflicts (2 of 4 stars). 2 submissions from 2 submitters: Uncertain significance (2). Last evaluated 2025-11-18.

Conditions:
Dopa-responsive dystonia due to sepiapterin reductase deficiency. Also called: DYT-SPR; SPR DEFICIENCY; Sepiapterin reductase deficiency. Identifiers: Orphanet 70594, MedGen C0268468, MONDO:0012994, OMIM 612716.

gnomAD v4.1: 1 of 1,489,936 alleles (0.000067%); no homozygotes.

Submissions (2):

3billion
Classification: Uncertain significance for Dopa-responsive dystonia due to sepiapterin reductase deficiency. Last evaluated: 2025-11-18. Review status: criteria provided, single submitter. Criteria: ACMG Guidelines, 2015. Collection method: clinical testing. Allele origin: germline. Affected: yes.
Comment: The variant is observed at an extremely low frequency in the gnomAD v4.1.0 dataset (total allele frequency: <0.001%). Predicted Consequence/Location: Missense variant In silico tool predictions suggest damaging effect of the variant on gene or gene product [REVEL: 0.85 (>=0.6, sensitivity 0.68 and specificity 0.92)]. The variant has been reported as of uncertain significance (ClinVar ID: VCV000635029). Therefore, this variant is classified as VUS according to the recommendation of ACMG/AMP guideline.

Broad Center for Mendelian Genomics, Broad Institute of MIT and Harvard
Classification: Uncertain significance for Dopa-responsive dystonia due to sepiapterin reductase deficiency. Last evaluated: 2018-06-15. Review status: criteria provided, single submitter. Criteria: ACMG Guidelines, 2015. Collection method: research. Allele origin: germline. Inheritance: Autosomal recessive inheritance. Affected: yes. Clinical features observed: Intellectual disability.
Comment: The homozygous p.Leu27Pro variant was identified by our study in two siblings with dopa-responsive dystonia. This variant was absent from large population studies. The Leucine (Leu) at position 27 is highly conserved in mammals and evolutionarily distant species, raising the possibility that this change at this position may not be tolerated. Computational prediction tools suggest that this variant may impact the protein, though this information is not predictive enough to determine pathogenicity. In summary, the clinical significance of this variant is uncertain.

NM_003124.5(SPR):c.80T>C (p.Leu27Pro)

Genes: SPR (sepiapterin reductase; plus strand), LOC129934069 (ATAC-STARR-seq lymphoblastoid silent region 11626; plus strand). Cytogenetic location: 2p13.2.
Variant type: single nucleotide variant.
Coding change: c.80T>C on transcript NM_003124.5 (MANE Select); coding-DNA position 80, T replaced by C.
Protein change: p.Leu27Pro; replaces leucine 27 with proline.
Molecular consequence: missense variant.
Genome position (GRCh38, 1-based): chr2:72,887,512, T>C. VCF-style: chr2-72887512-T-C. GRCh37 (hg19) VCF-style: chr2-73114641-T-C.
Other names: short protein forms L27P.
Identifiers: ClinVar variation 635029 (VCV000635029.2), dbSNP rs1559047972, ClinGen allele CA347230476.
Genomic context (GRCh38, chr2:72,887,512, plus strand): 5'-GTGCTGTGTGCTTGCTGACCGGGGCCTCCCGCGGCTTCGGCCGGACGCTGGCCCCGCTCC[T>C]GGCCTCGCTGCTGTCGCCCGGCTCCGTGCTTGTCCTTAGCGCCCGCAACGACGAGGCACT-3'
Protein context (NP_003115.1, residues 17-37): RGFGRTLAPL[Leu27Pro]ASLLSPGSVL